The following is an entry in ClinVar:

ClinVar aggregate classification (germline): Likely benign. Review status: criteria provided, single submitter (1 of 4 stars). 2 submissions from 2 submitters: Likely benign (1). 1 of the submissions does not count toward it. Last evaluated 2025-06-08.

Conditions:
MTOR-related disorder. Also called: MTOR-related condition.

Allele frequency attached by ClinVar (database versions not stated): gnomAD exomes below 0.00001.
gnomAD v4.1: 2 of 1,614,160 alleles (0.00012%); highest among the groups gnomAD compares: Non-Finnish European, 0.00017%; no homozygotes.

Submissions (2):

Labcorp Genetics (formerly Invitae), Labcorp
Classification: Likely benign. Last evaluated: 2025-06-08. Review status: criteria provided, single submitter. Criteria: Invitae Variant Classification Sherloc (09022015). Collection method: clinical testing. Allele origin: germline.

PreventionGenetics, part of Exact Sciences
Classification: Likely benign for MTOR-related condition. Last evaluated: 2022-12-07. Review status: no assertion criteria provided. Collection method: clinical testing. Allele origin: germline. Not counted in ClinVar's aggregate classification.
Comment: This variant is classified as likely benign based on ACMG/AMP sequence variant interpretation guidelines (Richards et al. 2015 PMID: 25741868, with internal and published modifications).

NM_004958.4(MTOR):c.3324T>C (p.Asp1108=)

Gene: MTOR (mechanistic target of rapamycin kinase; minus strand). Cytogenetic location: 1p36.22.
Variant type: single nucleotide variant.
Coding change: c.3324T>C on transcript NM_004958.4 (MANE Select); coding-DNA position 3324, T replaced by C.
Protein change: p.Asp1108=; no amino-acid change (aspartic acid 1108 retained).
Molecular consequence: synonymous variant.
Genome position (GRCh38, 1-based): chr1:11,212,870, A>G on the plus strand (T>C on the coding strand, the complement: MTOR is on the minus strand). VCF-style: chr1-11212870-A-G. GRCh37 (hg19) VCF-style: chr1-11272927-A-G.
Other names: c.3324T>C (NM_004958.3); c.3324T>C, p.Asp1108= (NM_001386500.1); c.2076T>C, p.Asp692= (NM_001386501.1).
Identifiers: ClinVar variation 1666527 (VCV001666527.10), dbSNP rs2100794911, ClinGen allele CA415915888.